The following is an entry in ClinVar:

ClinVar aggregate classification (germline): Pathogenic. Review status: criteria provided, multiple submitters, no conflicts (2 of 4 stars). 6 submissions from 6 submitters: Pathogenic (4). 2 of the submissions do not count toward it. Last evaluated 2024-03-04.

Conditions:
Autosomal dominant deafness - onychodystrophy syndrome. Also called: Deafness, congenital, with onychodystrophy, autosomal dominant; DDOD SYNDROME. Identifiers: Orphanet 3231, Orphanet 79499, MedGen C2675730, MONDO:0007420, OMIM 124480.
Zimmermann-Laband syndrome 2 (ZLS2). Identifiers: Orphanet 3473, MedGen C4225321, MONDO:0014646, OMIM 616455.
Neurodevelopmental delay. Identifiers: MedGen C4022738, HP:0012758.

Submissions (6):

GeneDx
Classification: Pathogenic. Last evaluated: 2024-03-04. Review status: criteria provided, single submitter. Criteria: GeneDx Variant Classification Process June 2021. Collection method: clinical testing. Allele origin: germline.
Comment: Nonsense variant predicted to result in protein truncation in a gene or region of a gene for which loss of function is not a well-established mechanism of disease; Not observed at significant frequency in large population cohorts (gnomAD); This variant is associated with the following publications: (PMID: 28396750, 34912366, 32849222, 32961450, 24913193, 32873933, 37628590, 31257146)

Fulgent Genetics
Classification: Pathogenic for Autosomal dominant deafness - onychodystrophy syndrome; Zimmermann-Laband syndrome 2. Last evaluated: 2024-01-03. Review status: criteria provided, single submitter. Criteria: ACMG Guidelines, 2015. Collection method: clinical testing. Allele origin: germline.

Victorian Clinical Genetics Services, Murdoch Childrens Research Institute
Classification: Pathogenic for Autosomal dominant deafness - onychodystrophy syndrome. Last evaluated: 2020-05-25. Review status: criteria provided, single submitter. Criteria: ACMG Guidelines, 2015. Collection method: clinical testing. Allele origin: germline. Inheritance: Autosomal dominant inheritance. Affected: yes.
Comment: Based on the classification scheme VCGS_Germline_v1.1.1, this variant is classified as Pathogenic. Following criteria are met: 0102 - Loss-of-function has been shown to be a mechanism of disease for this gene (PMID: 24913193). (N) 0107 - This gene is known to be associated with autosomal dominant disease. (N) 0205 - Variant is predicted to result in a truncated protein with less than 1/3 of the protein affected (exon 14 of 14). (P) 0251 - Variant is heterozygous. (N) 0301 - Variant is absent from gnomAD. (P) 0604 - Variant is not located in an established domain, motif, hotspot or informative constraint region. (N) 0705 - No comparable variants have previous evidence for pathogenicity. Other truncating variants downstream of this variant has not been reported (ClinVar, PMID: 31655144). (N) 0801 - Strong previous evidence of pathogenicity in unrelated individuals where variant has been shown to be de novo. (ClinVar, PMID: 24913193, 28396750, 31581539). (P) 1002 - Moderate functional evidence supporting abnormal protein function, with variant shown to result in reduced ATPase hydrolysis activity (PMID: 24913193). (P) 1208 - Inheritance information for this variant is not currently available. (N) Legend: (P) - Pathogenic, (N) - Neutral, (B) - Benign

Centre de Biologie Pathologie Génétique, Centre Hospitalier Universitaire de Lille
Classification: Pathogenic for Neurodevelopmental delay. Review status: criteria provided, single submitter. Criteria: ACMG Guidelines, 2015. Collection method: clinical testing. Allele origin: unknown. Affected: yes.

OMIM
Classification: Pathogenic for DEAFNESS, CONGENITAL, WITH ONYCHODYSTROPHY, AUTOSOMAL DOMINANT. Last evaluated: 2014-11-01. Review status: no assertion criteria provided. Collection method: literature only. Allele origin: germline. Not counted in ClinVar's aggregate classification.

Federation de Genetique et Medecine Genomique, Hopital Necker
No classification provided. Condition: Zimmermann-Laband syndrome 2. Review status: no classification provided. Collection method: phenotyping only. Allele origin: de novo. Affected: yes. Not counted in ClinVar's aggregate classification.
Comment: This variant was found in clinical genetic testing performed by one or more labs who may also submit to ClinVar. Therefore, any internal case data may overlap with the internal case data of other submitters. The classification and rationale are that of Laboratoire de Biologie Médicale Multi-Sites SeqOIA, 75014 Paris, France

Literature cited by the submitters: PubMed 24913193 (cited by 3 submitters); PubMed 28396750 (cited by Victorian Clinical Genetics Services, Murdoch Childrens Research Institute and OMIM); PubMed 31581539 (cited by Victorian Clinical Genetics Services, Murdoch Childrens Research Institute); PubMed 31655144 (cited by Victorian Clinical Genetics Services, Murdoch Childrens Research Institute and Federation de Genetique et Medecine Genomique, Hopital Necker); PubMed 32873933 (cited by Federation de Genetique et Medecine Genomique, Hopital Necker); PubMed 9929981 (cited by Federation de Genetique et Medecine Genomique, Hopital Necker); PubMed 34912366 (cited by Federation de Genetique et Medecine Genomique, Hopital Necker); PubMed 33714068 (cited by Federation de Genetique et Medecine Genomique, Hopital Necker); PubMed 8078665 (cited by Federation de Genetique et Medecine Genomique, Hopital Necker); PubMed 3789014 (cited by Federation de Genetique et Medecine Genomique, Hopital Necker); PubMed 32597767 (cited by Federation de Genetique et Medecine Genomique, Hopital Necker); PubMed 25915598 (cited by Federation de Genetique et Medecine Genomique, Hopital Necker); PubMed 29158550 (cited by Federation de Genetique et Medecine Genomique, Hopital Necker); PubMed 22838235 (cited by Federation de Genetique et Medecine Genomique, Hopital Necker).

NM_001693.4(ATP6V1B2):c.1516C>T (p.Arg506Ter)

Gene: ATP6V1B2 (ATPase H+ transporting V1 subunit B2; plus strand). Cytogenetic location: 8p21.3.
Variant type: single nucleotide variant.
Coding change: c.1516C>T on transcript NM_001693.4 (MANE Select); coding-DNA position 1516, C replaced by T.
Protein change: p.Arg506Ter; replaces arginine 506 with a stop codon.
Molecular consequence: nonsense.
Genome position (GRCh38, 1-based): chr8:20,220,382, C>T. VCF-style: chr8-20220382-C-T. GRCh37 (hg19) VCF-style: chr8-20077893-C-T.
Other names: short protein forms R506*.
Identifiers: ClinVar variation 203442 (VCV000203442.7), dbSNP rs794729667, ClinGen allele CA215098.